The following is an entry in ClinVar:

ClinVar aggregate classification (germline): Conflicting classifications of pathogenicity. Review status: criteria provided, conflicting classifications (1 of 4 stars). 2 submissions from 2 submitters: Uncertain significance (1); Likely benign (1). Last evaluated 2023-03-23.

Conditions:
Hereditary cancer-predisposing syndrome. Also called: Neoplastic Syndromes, Hereditary; Tumor predisposition; Hereditary Cancer Syndrome; Hereditary neoplastic syndrome. Identifiers: Orphanet 140162, MedGen C0027672, MeSH D009386, MONDO:0015356.

Submissions (2):

University of Washington Department of Laboratory Medicine, University of Washington
Classification: Likely benign for Hereditary cancer-predisposing syndrome. Last evaluated: 2023-03-23. Review status: criteria provided, single submitter. Criteria: Dines et al. (Genet Med. 2020). Collection method: curation. Allele origin: germline.
Comment: Missense variant in a coldspot region where missense variants are very unlikely to be pathogenic (PMID:31911673).

BRCA2 exon 11 coldspot. Reclassification based on statistical prior probability.

Ambry Genetics
Classification: Uncertain significance for Hereditary cancer-predisposing syndrome. Last evaluated: 2021-12-11. Review status: criteria provided, single submitter. Criteria: Ambry Variant Classification Scheme 2023. Collection method: clinical testing. Allele origin: germline.
Comment: The p.S2213Y variant (also known as c.6638C>A), located in coding exon 10 of the BRCA2 gene, results from a C to A substitution at nucleotide position 6638. The serine at codon 2213 is replaced by tyrosine, an amino acid with dissimilar properties. This amino acid position is conserved. In addition, the in silico prediction for this alteration is inconclusive. Since supporting evidence is limited at this time, the clinical significance of this alteration remains unclear.

NM_000059.4(BRCA2):c.6638C>A (p.Ser2213Tyr)

Gene: BRCA2 (BRCA2 DNA repair associated; plus strand). Cytogenetic location: 13q13.1.
Variant type: single nucleotide variant.
Coding change: c.6638C>A on transcript NM_000059.4 (MANE Select); coding-DNA position 6638, C replaced by A.
Protein change: p.Ser2213Tyr; replaces serine 2213 with tyrosine.
Molecular consequence: missense variant.
Genome position (GRCh38, 1-based): chr13:32,340,993, C>A. VCF-style: chr13-32340993-C-A. GRCh37 (hg19) VCF-style: chr13-32915130-C-A.
Other names: c.6638C>A, p.Ser2213Tyr (NM_001406719.1, NM_001406720.1); short protein forms S2213Y.
Identifiers: ClinVar variation 1754597 (VCV001754597.4), dbSNP rs75925841, ClinGen allele CA387790319.